The following is an entry in ClinVar:

NM_001365276.2(TNXB):c.3046C>A (p.Leu1016Met)

Gene: TNXB (tenascin XB; minus strand). Cytogenetic location: 6p21.33.
Variant type: single nucleotide variant.
Coding change: c.3046C>A on transcript NM_001365276.2 (MANE Select); coding-DNA position 3046, C replaced by A.
Protein change: p.Leu1016Met; replaces leucine 1016 with methionine.
Molecular consequence: missense variant.
Genome position (GRCh38, 1-based): chr6:32,085,852, G>T on the plus strand (C>A on the coding strand, the complement: TNXB is on the minus strand). VCF-style: chr6-32085852-G-T. GRCh37 (hg19) VCF-style: chr6-32053629-G-T.
Other names: c.3046C>A, p.Leu1016Met (NM_019105.8); short protein forms L1016M.
Identifiers: ClinVar variation 1699728 (VCV001699728.2), dbSNP rs2127264847, ClinGen allele CA363447836.

ClinVar aggregate classification (germline): Uncertain significance (1 of 4 stars; one submission).

gnomAD v4.1: 1 of 1,608,184 alleles (0.000062%); no homozygotes.

Submission:

GeneDx
Classification: Uncertain significance. Last evaluated: 2022-01-28. Review status: criteria provided, single submitter. Criteria: GeneDx Variant Classification Process June 2021. Collection method: clinical testing. Allele origin: germline. Affected: yes.
Comment: Has not been previously published as pathogenic or benign to our knowledge; Not observed at significant frequency in large population cohorts (gnomAD); In silico analysis supports that this missense variant does not alter protein structure/function